The following is an entry in ClinVar:

NM_030928.4(CDT1):c.10C>T (p.Arg4Cys)

Gene: CDT1 (chromatin licensing and DNA replication factor 1; plus strand). Cytogenetic location: 16q24.3.
Variant type: single nucleotide variant.
Coding change: c.10C>T on transcript NM_030928.4 (MANE Select); coding-DNA position 10, C replaced by T.
Protein change: p.Arg4Cys; replaces arginine 4 with cysteine.
Molecular consequence: missense variant.
Genome position (GRCh38, 1-based): chr16:88,803,841, C>T. VCF-style: chr16-88803841-C-T. GRCh37 (hg19) VCF-style: chr16-88870249-C-T.
Other names: c.10C>T (NM_030928.3); short protein forms R4C.
Identifiers: ClinVar variation 1060225 (VCV001060225.6), dbSNP rs757462069, ClinGen allele CA8233484.

ClinVar aggregate classification (germline): Uncertain significance. Review status: criteria provided, multiple submitters, no conflicts (2 of 4 stars). 2 submissions from 2 submitters: Uncertain significance (2). Last evaluated 2025-08-26.

Conditions:
Inborn genetic diseases. Identifiers: MedGen C0950123, MeSH D030342.

Allele frequency attached by ClinVar (database versions not stated): ExAC 0.00001.

Submissions (2):

Ambry Genetics
Classification: Uncertain significance for Inborn genetic diseases. Last evaluated: 2025-08-26. Review status: criteria provided, single submitter. Criteria: Ambry Variant Classification Scheme 2023. Collection method: clinical testing. Allele origin: germline.

Labcorp Genetics (formerly Invitae), Labcorp
Classification: Uncertain significance. Last evaluated: 2022-11-29. Review status: criteria provided, single submitter. Criteria: Invitae Variant Classification Sherloc (09022015). Collection method: clinical testing. Allele origin: germline.
Comment: In summary, the available evidence is currently insufficient to determine the role of this variant in disease. Therefore, it has been classified as a Variant of Uncertain Significance. Algorithms developed to predict the effect of missense changes on protein structure and function output the following: SIFT: "Tolerated"; PolyPhen-2: "Benign"; Align-GVGD: "Class C0". The cysteine amino acid residue is found in multiple mammalian species, which suggests that this missense change does not adversely affect protein function. ClinVar contains an entry for this variant (Variation ID: 1060225). This variant has not been reported in the literature in individuals affected with CDT1-related conditions. The frequency data for this variant in the population databases is considered unreliable, as metrics indicate poor data quality at this position in the gnomAD database. This sequence change replaces arginine, which is basic and polar, with cysteine, which is neutral and slightly polar, at codon 4 of the CDT1 protein (p.Arg4Cys).